The following is an entry in ClinVar:

NM_001845.6(COL4A1):c.1962G>A (p.Pro654=)

Gene: COL4A1 (collagen type IV alpha 1 chain; minus strand). Cytogenetic location: 13q34.
Variant type: single nucleotide variant.
Coding change: c.1962G>A on transcript NM_001845.6 (MANE Select); coding-DNA position 1962, G replaced by A.
Protein change: p.Pro654=; no amino-acid change (proline 654 retained).
Molecular consequence: synonymous variant.
Genome position (GRCh38, 1-based): chr13:110,183,212, C>T on the plus strand (G>A on the coding strand, the complement: COL4A1 is on the minus strand). VCF-style: chr13-110183212-C-T. GRCh37 (hg19) VCF-style: chr13-110835559-C-T.
Identifiers: ClinVar variation 1879262 (VCV001879262.34), dbSNP rs375980154, ClinGen allele CA7047771.

ClinVar aggregate classification (germline): Likely benign. Review status: criteria provided, multiple submitters, no conflicts (2 of 4 stars). 2 submissions from 2 submitters: Likely benign (2). Last evaluated 2025-04-25.

gnomAD v4.1: 14 of 1,613,732 alleles (0.00087%); highest among the groups gnomAD compares: Middle Eastern, 0.016%; no homozygotes.

Submissions (2):

Labcorp Genetics (formerly Invitae), Labcorp
Classification: Likely benign. Last evaluated: 2025-04-25. Review status: criteria provided, single submitter. Criteria: Invitae Variant Classification Sherloc (09022015). Collection method: clinical testing. Allele origin: germline.

CeGaT Center for Human Genetics Tuebingen
Classification: Likely benign. Last evaluated: 2022-10-01. Review status: criteria provided, single submitter. Criteria: CeGaT Center For Human Genetics Tuebingen Variant Classification Criteria Version 2. Collection method: clinical testing. Allele origin: germline. Affected: yes. Observed: 1 variant allele.
Comment: COL4A1: BP4, BP7